The following is an entry in ClinVar:

ClinVar aggregate classification (germline): Uncertain significance. Review status: criteria provided, multiple submitters, no conflicts (2 of 4 stars). 2 submissions from 2 submitters: Uncertain significance (2). Last evaluated 2025-09-25.

Conditions:
Inborn genetic diseases. Identifiers: MedGen C0950123, MeSH D030342.

Allele frequency attached by ClinVar (database versions not stated): ExAC 0.00001; gnomAD exomes 0.00002.
gnomAD v4.1: 29 of 1,614,130 alleles (0.0018%); highest among the groups gnomAD compares: Non-Finnish European, 0.0025%; no homozygotes.

Submissions (2):

Ambry Genetics
Classification: Uncertain significance for Inborn genetic diseases. Last evaluated: 2025-09-25. Review status: criteria provided, single submitter. Criteria: Ambry Variant Classification Scheme 2023. Collection method: clinical testing. Allele origin: germline.

Labcorp Genetics (formerly Invitae), Labcorp
Classification: Uncertain significance. Last evaluated: 2021-12-09. Review status: criteria provided, single submitter. Criteria: Invitae Variant Classification Sherloc (09022015). Collection method: clinical testing. Allele origin: germline.
Comment: In summary, the available evidence is currently insufficient to determine the role of this variant in disease. Therefore, it has been classified as a Variant of Uncertain Significance. Algorithms developed to predict the effect of missense changes on protein structure and function (SIFT, PolyPhen-2, Align-GVGD) all suggest that this variant is likely to be tolerated. This variant has not been reported in the literature in individuals affected with MCM3AP-related conditions. This variant is present in population databases (rs766921551, gnomAD 0.0009%). This sequence change replaces serine, which is neutral and polar, with phenylalanine, which is neutral and non-polar, at codon 432 of the MCM3AP protein (p.Ser432Phe).

NM_003906.5(MCM3AP):c.1295C>T (p.Ser432Phe)

Gene: MCM3AP (minichromosome maintenance complex component 3 associated protein; minus strand). Cytogenetic location: 21q22.3.
Variant type: single nucleotide variant.
Coding change: c.1295C>T on transcript NM_003906.5 (MANE Select); coding-DNA position 1295, C replaced by T.
Protein change: p.Ser432Phe; replaces serine 432 with phenylalanine.
Molecular consequence: missense variant.
Genome position (GRCh38, 1-based): chr21:46,283,763, G>A on the plus strand (C>T on the coding strand, the complement: MCM3AP is on the minus strand). VCF-style: chr21-46283763-G-A. GRCh37 (hg19) VCF-style: chr21-47703677-G-A.
Other names: c.1295C>T (NM_003906.3); short protein forms S432F.
Identifiers: ClinVar variation 1952563 (VCV001952563.4), dbSNP rs766921551, ClinGen allele CA10077123.
Genomic context (GRCh38, chr21:46,283,763, plus strand): 5'-AGAATGGTCCTGTCGTTGAGGTAGTCAGGGATGTTCTTGCACTGGATGGCTGTGACTTCA[G>A]AGGGAGACAAGCCCCCAAGACTGTCTGTGCTCTCGCTTCTGTTACTCTGACGCGCCGGAG-3'
Protein context (NP_003897.2, residues 422-442): STDSLGGLSP[Ser432Phe]EVTAIQCKNI